The following is an entry in ClinVar:

ClinVar aggregate classification (germline): Uncertain significance (1 of 4 stars; one submission).

Conditions:
Congenital myasthenic syndrome 2A. Also called: Myasthenic syndrome, congenital, 2a, slow-channel. Identifiers: Orphanet 590, MedGen C4225374, MONDO:0014581, OMIM 616313.

Submission:

Centre for Mendelian Genomics, University Medical Centre Ljubljana
Classification: Uncertain significance for Congenital myasthenic syndrome 2A. Last evaluated: 2016-01-01. Review status: criteria provided, single submitter. Criteria: ACMG Guidelines, 2015. Collection method: clinical testing. Allele origin: unknown. Affected: yes.
Comment: This variant was classified as: Uncertain significance. The following ACMG criteria were applied in classifying this variant: PM2,PM4.

NM_000747.3(CHRNB1):c.686_687insGGG (p.Gly230dup)

Gene: CHRNB1 (cholinergic receptor nicotinic beta 1 subunit; plus strand). Cytogenetic location: 17p13.1.
Variant type: Insertion.
Coding change: c.686_687insGGG on transcript NM_000747.3 (MANE Select); coding-DNA positions 686 to 687, GGG inserted.
Protein change: p.Gly230dup; duplicates glycine 230.
Molecular consequence: inframe insertion.
Genome position: GRCh38 VCF-style: chr17-7448654-A-AGGG. GRCh37 (hg19) VCF-style: chr17-7351973-A-AGGG.
Identifiers: ClinVar variation 930320 (VCV000930320.3), dbSNP rs1908762515, ClinGen allele CA1139665096.